The following continues an entry in ClinVar:

NM_000059.4(BRCA2):c.8134G>A (p.Asp2712Asn)

Gene: BRCA2. ClinVar aggregate classification (germline): Conflicting classifications of pathogenicity. Uncertain significance (8); Likely benign (3).

Submissions 7 to 16 of 16:

Sema4
Classification: Uncertain significance for Hereditary cancer-predisposing syndrome. Last evaluated: 2021-10-22. Review status: criteria provided, single submitter. Criteria: Sema4 Curation Guidelines. Collection method: curation. Allele origin: germline.
Comment: The BRCA2 c.8134G>A (p.D2712N) variant has been reported in heterozygosity in at least one individual with bilateral breast cancer (PMID: 20104584). It was observed in 1/113628 chromosomes of the Non-Finnish European subpopulation in the large and broad cohorts of the Genome Aggregation Database (PMID: 32461654). The variant has been reported in ClinVar (Variation ID 52509). In silico predictions of the variant's effect on protein function are inconclusive. A homologous recombination deficiency repair study demonstrated the normal function of the protein (PMID: 29884841). The evidence is insufficient to meet ACMG/AMP criteria for classifying the variant as benign or pathogenic. Thus, the clinical significance of this variant is currently uncertain.

Ambry Genetics
Classification: Likely benign for Hereditary cancer-predisposing syndrome. Last evaluated: 2020-08-05. Review status: criteria provided, single submitter. Criteria: Ambry Variant Classification Scheme 2023. Collection method: clinical testing. Allele origin: germline.

GeneDx
Classification: Uncertain significance. Last evaluated: 2019-05-14. Review status: criteria provided, single submitter. Criteria: GeneDx Variant Classification Process June 2021. Collection method: clinical testing. Allele origin: germline. Affected: yes.
Comment: Not observed at a significant frequency in large population cohorts (Lek et al., 2016); In silico analysis, which includes protein predictors and evolutionary conservation, supports that this variant does not alter protein structure/function; This variant is associated with the following publications: (PMID: 20104584, 26494726, 19043619, 26343386, 29884841)

Genome Diagnostics Laboratory, University Medical Center Utrecht
Classification: Likely benign for Breast-ovarian cancer, familial, susceptibility to, 2. Last evaluated: 2017-07-28. Review status: criteria provided, single submitter. Criteria: ACGS Guidelines, 2013. Collection method: clinical testing. Allele origin: germline. Affected: yes. Study: VKGL Data-share Consensus.

Clinical Genetics DNA and cytogenetics Diagnostics Lab, Erasmus MC, Erasmus Medical Center
Classification: Likely benign for Breast-ovarian cancer, familial, susceptibility to, 2. Last evaluated: 2015-09-21. Review status: criteria provided, single submitter. Criteria: ACGS Guidelines, 2013. Collection method: clinical testing. Allele origin: germline. Affected: yes. Study: VKGL Data-share Consensus.

Counsyl
Classification: Uncertain significance for Breast-ovarian cancer, familial, susceptibility to, 2. Last evaluated: 2018-02-23. Review status: no assertion criteria provided. Collection method: clinical testing. Allele origin: unknown. Not counted in ClinVar's aggregate classification.

Sharing Clinical Reports Project (SCRP)
Classification: Uncertain significance for Breast-ovarian cancer, familial 2. Last evaluated: 2013-07-02. Review status: no assertion criteria provided. Collection method: clinical testing. Allele origin: germline. Not counted in ClinVar's aggregate classification.

Breast Cancer Information Core (BIC) (BRCA2)
Classification: Uncertain significance for Breast-ovarian cancer, familial 2. Last evaluated: 2004-02-20. Review status: no assertion criteria provided. Collection method: clinical testing. Allele origin: germline. Affected: yes. Observed: 2 variant alleles. Not counted in ClinVar's aggregate classification.

Clinical Genetics Laboratory, Department of Pathology, Netherlands Cancer Institute
Classification: Likely benign. Review status: no assertion criteria provided. Collection method: clinical testing. Allele origin: germline. Affected: yes. Study: VKGL Data-share Consensus. Not counted in ClinVar's aggregate classification.

Joint Genome Diagnostic Labs from Nijmegen and Maastricht, Radboudumc and MUMC+
Classification: Likely benign. Review status: no assertion criteria provided. Collection method: clinical testing. Allele origin: germline. Affected: yes. Study: VKGL Data-share Consensus. Not counted in ClinVar's aggregate classification.

Literature cited by the submitters: PubMed 20104584 (cited by 7 submitters); PubMed 33609447 (cited by Labcorp Genetics (formerly Invitae), Labcorp and Quest Diagnostics Nichols Institute San Juan Capistrano); PubMed 29884841 (cited by 6 submitters); PubMed 35736817 (cited by 3 submitters); PubMed 19043619 (cited by 3 submitters); PubMed 33471991 (cited by 4 submitters); PubMed 38417439 (cited by Women's Health and Genetics/Laboratory Corporation of America, LabCorp).